The following is an entry in ClinVar:

NM_001365276.2(TNXB):c.8134G>A (p.Gly2712Arg)

Gene: TNXB (tenascin XB; minus strand). Cytogenetic location: 6p21.33.
Variant type: single nucleotide variant.
Coding change: c.8134G>A on transcript NM_001365276.2 (MANE Select); coding-DNA position 8134, G replaced by A.
Protein change: p.Gly2712Arg; replaces glycine 2712 with arginine.
Molecular consequence: missense variant.
Genome position (GRCh38, 1-based): chr6:32,056,595, C>T on the plus strand (G>A on the coding strand, the complement: TNXB is on the minus strand). VCF-style: chr6-32056595-C-T. GRCh37 (hg19) VCF-style: chr6-32024372-C-T.
Other names: c.8875G>A, p.Gly2959Arg (NM_001428335.1); c.8134G>A, p.Gly2712Arg (NM_019105.8); short protein forms G2712R, G2959R.
Identifiers: ClinVar variation 4615188 (VCV004615188.1).

ClinVar aggregate classification (germline): Uncertain significance (1 of 4 stars; one submission).

Conditions:
Cardiovascular phenotype. Identifiers: MedGen CN230736.

Submission:

Ambry Genetics
Classification: Uncertain significance for Cardiovascular phenotype. Last evaluated: 2025-12-01. Review status: criteria provided, single submitter. Criteria: Ambry Variant Classification Scheme 2023. Collection method: clinical testing. Allele origin: germline.
Comment: The p.G2712R variant (also known as c.8134G>A), located in coding exon 22 of the TNXB gene, results from a G to A substitution at nucleotide position 8134. The glycine at codon 2712 is replaced by arginine, an amino acid with dissimilar properties. This amino acid position is conserved. In addition, this alteration is predicted to be tolerated by in silico analysis. Based on the available evidence, the clinical significance of this variant remains unclear.